The following is an entry in ClinVar:

ClinVar aggregate classification (germline): Conflicting classifications of pathogenicity. Review status: criteria provided, conflicting classifications (1 of 4 stars). 2 submissions from 2 submitters: Uncertain significance (1); Benign (1). Last evaluated 2024-03-05.

Conditions:
Ehlers-Danlos syndrome, classic type, 1 (EDSCL1). Also called: Ehlers-Danlos syndrome, type 1; Ehlers-Danlos Syndrome, Classic Type, COL5A1-Related; EDS I; EHLERS-DANLOS SYNDROME, GRAVIS TYPE; EHLERS-DANLOS SYNDROME, SEVERE CLASSIC TYPE. Identifiers: MedGen C0268335, MONDO:0019567, OMIM 130000.

Allele frequency attached by ClinVar (database versions not stated): gnomAD exomes 0.00002; TOPMed 0.00002; ExAC 0.00003.
gnomAD v4.1: 19 of 1,614,070 alleles (0.0012%); highest among the groups gnomAD compares: East Asian, 0.0022%; no homozygotes.

Submissions (2):

GeneDx
Classification: Uncertain significance. Last evaluated: 2024-03-05. Review status: criteria provided, single submitter. Criteria: GeneDx Variant Classification Process June 2021. Collection method: clinical testing. Allele origin: germline. Affected: yes.
Comment: Has not been previously published as pathogenic or benign to our knowledge; Not located in the triple helical region, where the majority of pathogenic missense variants occur (PMID: 22696272; HGMD); In silico analysis supports that this missense variant does not alter protein structure/function; This variant is associated with the following publications: (PMID: 22696272)

Labcorp Genetics (formerly Invitae), Labcorp
Classification: Benign for Ehlers-Danlos syndrome, classic type, 1. Last evaluated: 2023-11-22. Review status: criteria provided, single submitter. Criteria: Invitae Variant Classification Sherloc (09022015). Collection method: clinical testing. Allele origin: germline.

NM_000093.5(COL5A1):c.4837G>A (p.Gly1613Ser)

Genes: COL5A1 (collagen type V alpha 1 chain; plus strand), LOC101448202 (uncharacterized LOC101448202; minus strand). Cytogenetic location: 9q34.3.
Variant type: single nucleotide variant.
Coding change: c.4837G>A on transcript NM_000093.5 (MANE Select); coding-DNA position 4837, G replaced by A.
Protein change: p.Gly1613Ser; replaces glycine 1613 with serine.
Molecular consequence: missense variant.
Genome position (GRCh38, 1-based): chr9:134,824,738, G>A. VCF-style: chr9-134824738-G-A. GRCh37 (hg19) VCF-style: chr9-137716584-G-A.
Other names: c.4837G>A (NM_000093.3); c.4837G>A, p.Gly1613Ser (NM_001278074.1); short protein forms G1613S.
Identifiers: ClinVar variation 834579 (VCV000834579.12), dbSNP rs772523567, ClinGen allele CA5320490.